The following is an entry in ClinVar:

NM_000257.4(MYH7):c.184G>A (p.Glu62Lys)

Gene: MYH7 (myosin heavy chain 7; minus strand). Cytogenetic location: 14q11.2.
Variant type: single nucleotide variant.
Coding change: c.184G>A on transcript NM_000257.4 (MANE Select); coding-DNA position 184, G replaced by A.
Protein change: p.Glu62Lys; replaces glutamic acid 62 with lysine.
Molecular consequence: missense variant.
Genome position (GRCh38, 1-based): chr14:23,433,549, C>T on the plus strand (G>A on the coding strand, the complement: MYH7 is on the minus strand). VCF-style: chr14-23433549-C-T. GRCh37 (hg19) VCF-style: chr14-23902758-C-T.
Other names: short protein forms E62K.
Identifiers: ClinVar variation 177946 (VCV000177946.11), dbSNP rs727504416, ClinGen allele CA011346.
Genomic context (GRCh38, chr14:23,433,549, plus strand): 5'-TACAGGTGGCCAGGGTGGACTCTCACATCAGCCTGACACCCACCTTGCCATACTCGGTCT[C>T]GGCAGTGACTTTGCCACCCTCTCGAGACACGATCTTGGCCTTGACAAACTCCTGTTTGTC-3'
Protein context (NP_000248.2, residues 52-72): VSREGGKVTA[Glu62Lys]TEYGKTVTVK

ClinVar aggregate classification (germline): Uncertain significance. Review status: criteria provided, multiple submitters, no conflicts (2 of 4 stars). 4 submissions from 4 submitters: Uncertain significance (4). Last evaluated 2025-08-18.

Conditions:
Cardiomyopathy (CMYO). Also called: Cardiomyopathies. Identifiers: Orphanet 167848, MedGen C0878544, MONDO:0004994, HP:0001638. Inheritance: Various modes of inheritance.
Hypertrophic cardiomyopathy. Also called: HYPERTROPHIC MYOCARDIOPATHY. Identifiers: Orphanet 217569, MedGen C0007194, MeSH D002312, MONDO:0005045, HP:0001639.

Allele frequency attached by ClinVar (database versions not stated): ExAC 0.00001; gnomAD exomes 0.00001; TOPMed 0.00001.
gnomAD v4.1: 7 of 1,614,112 alleles (0.00043%); highest among the groups gnomAD compares: East Asian, 0.0022%; no homozygotes.

Submissions (4):

Labcorp Genetics (formerly Invitae), Labcorp
Classification: Uncertain significance for Hypertrophic cardiomyopathy. Last evaluated: 2025-08-18. Review status: criteria provided, single submitter. Criteria: Invitae Variant Classification Sherloc (09022015). Collection method: clinical testing. Allele origin: germline.
Comment: This sequence change replaces glutamic acid, which is acidic and polar, with lysine, which is basic and polar, at codon 62 of the MYH7 protein (p.Glu62Lys). This variant is present in population databases (rs727504416, gnomAD 0.003%). This missense change has been observed in individual(s) with MYH7-related cardiomyopathy (PMID: 24503780, 27532257, 37652022; internal data). ClinVar contains an entry for this variant (Variation ID: 177946). Invitae Evidence Modeling of protein sequence and biophysical properties (such as structural, functional, and spatial information, amino acid conservation, physicochemical variation, residue mobility, and thermodynamic stability) indicates that this missense variant is not expected to disrupt MYH7 protein function with a negative predictive value of 95%. In summary, the available evidence is currently insufficient to determine the role of this variant in disease. Therefore, it has been classified as a Variant of Uncertain Significance.

All of Us Research Program, National Institutes of Health
Classification: Uncertain significance for Cardiomyopathy. Last evaluated: 2023-05-04. Review status: criteria provided, single submitter. Criteria: ACMG Guidelines, 2015. Collection method: clinical testing. Allele origin: germline. Inheritance: Autosomal dominant inheritance. Observed: 1 variant allele, 1 heterozygote.
Comment: This missense variant replaces glutamic acid with lysine at codon 62 of the MYH7 protein. Computational prediction suggests that this variant may not impact protein structure and function (internally defined REVEL score threshold <= 0.5, PMID: 27666373). To our knowledge, functional studies have not been reported for this variant. This variant has been reported in an individual affected with dilated cardiomyopathy (PMID: 24503780, 27532257). This variant has been identified in 2/251384 chromosomes in the general population by the Genome Aggregation Database (gnomAD). The available evidence is insufficient to determine the role of this variant in disease conclusively. Therefore, this variant is classified as a Variant of Uncertain Significance.

This study involves interpretation of variants in research participants for the purpose of population health screening. Participant phenotype was not available at the time of variant classification. Additional details can be found in publication PMID: 35346344, PMCID: PMC8962531

CHEO Genetics Diagnostic Laboratory, Children's Hospital of Eastern Ontario
Classification: Uncertain significance for Cardiomyopathy. Last evaluated: 2019-10-15. Review status: criteria provided, single submitter. Criteria: ACMG Guidelines, 2015. Collection method: clinical testing. Allele origin: germline. Study: Canadian Open Genetics Repository.

Laboratory for Molecular Medicine, Mass General Brigham Personalized Medicine
Classification: Uncertain significance. Last evaluated: 2014-01-19. Review status: criteria provided, single submitter. Criteria: LMM Criteria. Collection method: clinical testing. Allele origin: germline. Observed: 1 variant allele.
Comment: proposed classification - variant undergoing re-assessment, contact laboratory

Literature cited by the submitters: PubMed 24503780 (cited by Labcorp Genetics (formerly Invitae), Labcorp and All of Us Research Program, National Institutes of Health); PubMed 27532257 (cited by Labcorp Genetics (formerly Invitae), Labcorp and All of Us Research Program, National Institutes of Health); PubMed 37652022 (cited by Labcorp Genetics (formerly Invitae), Labcorp).